The following is an entry in ClinVar:

ClinVar aggregate classification (germline): Benign/Likely benign. Review status: criteria provided, multiple submitters, no conflicts (2 of 4 stars). 4 submissions from 4 submitters: Benign (1); Likely benign (3). Last evaluated 2025-09-13.

Conditions:
Hereditary xanthinuria type 1 (XAN1). Identifiers: Orphanet 3467, Orphanet 93601, MedGen C0268118, MONDO:0010209, OMIM 278300.
XDH-related disorder. Also called: XDH-related condition.
Xanthinuria type II. Also called: Xanthine dehydrogenase and aldehyde oxidase combined deficiency of; XDH and AOX dual deficiency. Identifiers: Orphanet 3467, Orphanet 93602, MedGen C1863688, MONDO:0011346, OMIM 603592.

Allele frequency attached by ClinVar (database versions not stated): gnomAD exomes 0.00011 and 0.00056; gnomAD 0.00013 and 0.00019; TOPMed 0.00021; ExAC 0.00048; 1000 Genomes Project 30x 0.00156; 1000 Genomes Project 0.00160.
gnomAD v4.1: 193 of 1,613,708 alleles (0.012%); highest among the groups gnomAD compares: East Asian, 0.4%; 1 homozygote.

Submissions (4):

Labcorp Genetics (formerly Invitae), Labcorp
Classification: Benign for Xanthinuria type II. Last evaluated: 2025-09-13. Review status: criteria provided, single submitter. Criteria: Invitae Variant Classification Sherloc (09022015). Collection method: clinical testing. Allele origin: germline.

PreventionGenetics, part of Exact Sciences
Classification: Likely benign for XDH-related condition. Last evaluated: 2024-12-19. Review status: criteria provided, single submitter. Criteria: ACMG Guidelines, 2015. Collection method: clinical testing. Allele origin: germline.
Comment: This variant is classified as likely benign based on ACMG/AMP sequence variant interpretation guidelines (Richards et al. 2015 PMID: 25741868, with internal and published modifications).

Blueprint Genetics
Classification: Likely benign. Last evaluated: 2024-10-15. Review status: criteria provided, single submitter. Criteria: ACMG Guidelines, 2015. Collection method: clinical testing. Allele origin: germline.

Fulgent Genetics
Classification: Likely benign for Hereditary xanthinuria type 1. Last evaluated: 2021-12-04. Review status: criteria provided, single submitter. Criteria: ACMG Guidelines, 2015. Collection method: clinical testing. Allele origin: unknown.

NM_000379.4(XDH):c.1617G>T (p.Leu539=)

Gene: XDH (xanthine dehydrogenase; minus strand). Cytogenetic location: 2p23.1.
Variant type: single nucleotide variant.
Coding change: c.1617G>T on transcript NM_000379.4 (MANE Select); coding-DNA position 1617, G replaced by T.
Protein change: p.Leu539=; no amino-acid change (leucine 539 retained).
Molecular consequence: synonymous variant.
Genome position (GRCh38, 1-based): chr2:31,373,942, C>A on the plus strand (G>T on the coding strand, the complement: XDH is on the minus strand). VCF-style: chr2-31373942-C-A. GRCh37 (hg19) VCF-style: chr2-31596808-C-A.
Identifiers: ClinVar variation 715416 (VCV000715416.14), dbSNP rs117399514, ClinGen allele CA1599161.
Genomic context (GRCh38, chr2:31,373,942, plus strand): 5'-CTGGACATCGGCTGGGGGGTCTTTCTGAAACAGTAAAGTTGCACTGGCGAAAGTGGGGTC[C>A]AGTTTACCACACTTCTGTGGAGACAAGAAAACAGAGGTGACCAGGATTATATTTCAATCA-3'
Protein context (NP_000370.2, residues 529-549): QENLEDKCGK[Leu539=]DPTFASATLL